The following is an entry in ClinVar:

ClinVar aggregate classification (germline): Likely benign. Review status: criteria provided, multiple submitters, no conflicts (2 of 4 stars). 4 submissions from 4 submitters: Likely benign (4). Last evaluated 2026-01-02.

Conditions:
Hereditary breast ovarian cancer syndrome. Also called: Hereditary breast and ovarian cancer syndrome (HBOC); Hereditary breast and ovarian cancer syndrome; Breast and ovarian cancer; Hereditary breast and/or ovarian cancer syndrome; Hereditary breast and ovarian cancer; BRCA1- and BRCA2-Associated Hereditary Breast and Ovarian Cancer. Identifiers: Orphanet 145, MedGen C0677776, MeSH D061325, MONDO:0003582. Disease mechanism: loss of function.
BRCA2-related cancer predisposition. Identifiers: MedGen CN377758, MONDO:0700269.
Hereditary cancer-predisposing syndrome. Also called: Neoplastic Syndromes, Hereditary; Hereditary Cancer Syndrome; Hereditary neoplastic syndrome; Tumor predisposition. Identifiers: Orphanet 140162, MedGen C0027672, MeSH D009386, MONDO:0015356.

Allele frequency attached by ClinVar (database versions not stated): gnomAD exomes below 0.00001; gnomAD 0.00001; TOPMed 0.00001.
gnomAD v4.1: 2 of 1,613,796 alleles (0.00012%); highest among the groups gnomAD compares: African/African-American, 0.0027%; no homozygotes.

Submissions (4):

Labcorp Genetics (formerly Invitae), Labcorp
Classification: Likely benign for Hereditary breast ovarian cancer syndrome. Last evaluated: 2026-01-02. Review status: criteria provided, single submitter. Criteria: Invitae Variant Classification Sherloc (09022015). Collection method: clinical testing. Allele origin: germline.

Women's Health and Genetics/Laboratory Corporation of America, LabCorp
Classification: Likely benign. Last evaluated: 2024-12-06. Review status: criteria provided, single submitter. Criteria: LabCorp Variant Classification Summary - May 2015. Collection method: clinical testing. Allele origin: germline.

All of Us Research Program, National Institutes of Health
Classification: Likely benign for BRCA2-related cancer predisposition. Last evaluated: 2024-05-14. Review status: criteria provided, single submitter. Criteria: ACMG Guidelines, 2015. Collection method: clinical testing. Allele origin: germline. Inheritance: Autosomal dominant inheritance. Observed: 1 variant allele, 1 heterozygote.
Comment: This study involves interpretation of variants in research participants for the purpose of population health screening. Participant phenotype was not available at the time of variant classification. Additional details can be found in publication PMID: 35346344, PMCID: PMC8962531

Ambry Genetics
Classification: Likely benign for Hereditary cancer-predisposing syndrome. Last evaluated: 2021-12-15. Review status: criteria provided, single submitter. Criteria: Ambry Variant Classification Scheme 2023. Collection method: clinical testing. Allele origin: germline.

NM_000059.4(BRCA2):c.5715T>C (p.His1905=)

Gene: BRCA2 (BRCA2 DNA repair associated; plus strand). Cytogenetic location: 13q13.1.
Variant type: single nucleotide variant.
Coding change: c.5715T>C on transcript NM_000059.4 (MANE Select); coding-DNA position 5715, T replaced by C.
Protein change: p.His1905=; no amino-acid change (histidine 1905 retained).
Molecular consequence: synonymous variant.
Genome position (GRCh38, 1-based): chr13:32,340,070, T>C. VCF-style: chr13-32340070-T-C. GRCh37 (hg19) VCF-style: chr13-32914207-T-C.
Identifiers: ClinVar variation 462386 (VCV000462386.13), dbSNP rs1298256513, ClinGen allele CA483438886.